The following is an entry in ClinVar:

NM_006939.4(SOS2):c.2996C>A (p.Ser999Tyr)

Gene: SOS2 (SOS Ras/Rho guanine nucleotide exchange factor 2; minus strand). Cytogenetic location: 14q21.3.
Variant type: single nucleotide variant.
Coding change: c.2996C>A on transcript NM_006939.4 (MANE Select); coding-DNA position 2996, C replaced by A.
Protein change: p.Ser999Tyr; replaces serine 999 with tyrosine.
Molecular consequence: missense variant.
Genome position (GRCh38, 1-based): chr14:50,134,202, G>T on the plus strand (C>A on the coding strand, the complement: SOS2 is on the minus strand). VCF-style: chr14-50134202-G-T. GRCh37 (hg19) VCF-style: chr14-50600920-G-T.
Other names: c.2897C>A, p.Ser966Tyr (NM_001411020.1); short protein forms S966Y, S999Y.
Identifiers: ClinVar variation 1902833 (VCV001902833.5), dbSNP rs2502850862, ClinGen allele CA389641823.
Genomic context (GRCh38, chr14:50,134,202, plus strand): 5'-CAGTTTCGAGGTTCAATTTCTAGTGACTTGTTGAACAAATAATCTGTAAACTCTTTTTCA[G>T]ATGCACTTCCCATGGGGTTAAGGTTTTCAAAGAATCTCTGGAATTAAACAAATAACACAA-3'
Protein context (NP_008870.2, residues 989-1009): FENLNPMGSA[Ser999Tyr]EKEFTDYLFN

ClinVar aggregate classification (germline): Uncertain significance (1 of 4 stars; one submission).

Conditions:
Noonan syndrome 9 (NS9). Identifiers: Orphanet 648, MedGen C4225282, MONDO:0014691, OMIM 616559.

Allele frequency attached by ClinVar (database versions not stated): gnomAD exomes below 0.00001.

Submission:

Labcorp Genetics (formerly Invitae), Labcorp
Classification: Uncertain significance for Noonan syndrome 9. Last evaluated: 2023-06-20. Review status: criteria provided, single submitter. Criteria: Invitae Variant Classification Sherloc (09022015). Collection method: clinical testing. Allele origin: germline.
Comment: This sequence change replaces serine, which is neutral and polar, with tyrosine, which is neutral and polar, at codon 999 of the SOS2 protein (p.Ser999Tyr). This variant is not present in population databases (gnomAD no frequency). This variant has not been reported in the literature in individuals affected with SOS2-related conditions. ClinVar contains an entry for this variant (Variation ID: 1902833). Advanced modeling of protein sequence and biophysical properties (such as structural, functional, and spatial information, amino acid conservation, physicochemical variation, residue mobility, and thermodynamic stability) performed at Invitae indicates that this missense variant is not expected to disrupt SOS2 protein function. In summary, the available evidence is currently insufficient to determine the role of this variant in disease. Therefore, it has been classified as a Variant of Uncertain Significance.